The following is an entry in ClinVar:

NM_001142800.2(EYS):c.4690A>G (p.Ile1564Val)

Gene: EYS (EGF-like photoreceptor maintenance factor; minus strand). Cytogenetic location: 6q12.
Variant type: single nucleotide variant.
Coding change: c.4690A>G on transcript NM_001142800.2 (MANE Select); coding-DNA position 4690, A replaced by G.
Protein change: p.Ile1564Val; replaces isoleucine 1564 with valine.
Molecular consequence: missense variant.
Genome position (GRCh38, 1-based): chr6:64,591,177, T>C on the plus strand (A>G on the coding strand, the complement: EYS is on the minus strand). VCF-style: chr6-64591177-T-C. GRCh37 (hg19) VCF-style: chr6-65301070-T-C.
Other names: c.4690A>G, p.Ile1564Val (NM_001292009.2); short protein forms I1564V.
Identifiers: ClinVar variation 1985642 (VCV001985642.2), dbSNP rs1766396779, ClinGen allele CA364782760.

ClinVar aggregate classification (germline): Uncertain significance. Review status: criteria provided, multiple submitters, no conflicts (2 of 4 stars). 2 submissions from 2 submitters: Uncertain significance (2). Last evaluated 2021-10-14.

Allele frequency attached by ClinVar (database versions not stated): gnomAD exomes below 0.00001; TOPMed below 0.00001; gnomAD 0.00001.
gnomAD v4.1: 3 of 1,551,270 alleles (0.00019%); highest among the groups gnomAD compares: Non-Finnish European, 0.00026%; no homozygotes.

Submissions (2):

Labcorp Genetics (formerly Invitae), Labcorp
Classification: Uncertain significance. Last evaluated: 2021-10-14. Review status: criteria provided, single submitter. Criteria: Invitae Variant Classification Sherloc (09022015). Collection method: clinical testing. Allele origin: germline.
Comment: This sequence change replaces isoleucine with valine at codon 1564 of the EYS protein (p.Ile1564Val). The isoleucine residue is moderately conserved and there is a small physicochemical difference between isoleucine and valine. This variant is not present in population databases (ExAC no frequency). This variant has not been reported in the literature in individuals affected with EYS-related conditions. Algorithms developed to predict the effect of missense changes on protein structure and function are either unavailable or do not agree on the potential impact of this missense change (SIFT: "Deleterious"; PolyPhen-2: "Benign"; Align-GVGD: "Class C0"). Algorithms developed to predict the effect of sequence changes on RNA splicing suggest that this variant may create or strengthen a splice site. In summary, the available evidence is currently insufficient to determine the role of this variant in disease. Therefore, it has been classified as a Variant of Uncertain Significance.

Blueprint Genetics
Classification: Uncertain significance. Last evaluated: 2018-08-28. Review status: criteria provided, single submitter. Criteria: ACMG Guidelines, 2015. Collection method: clinical testing. Allele origin: germline.